The following is an entry in ClinVar:

ClinVar aggregate classification (germline): Uncertain significance (1 of 4 stars; one submission).

Conditions:
CHARGE syndrome (CHARGE). Also called: Coloboma, heart anomaly, choanal atresia, retardation, genital and ear anomalies; CHARGE association; Hall-Hittner syndrome; Hittner Hirsch Kreh syndrome; CHARGE ASSOCIATION--COLOBOMA, HEART ANOMALY, CHOANAL ATRESIA, RETARDATION, GENITAL AND EAR ANOMALIES. Identifiers: Orphanet 138, MedGen C0265354, MONDO:0008965.

Submission:

Labcorp Genetics (formerly Invitae), Labcorp
Classification: Uncertain significance for CHARGE syndrome. Last evaluated: 2024-02-24. Review status: criteria provided, single submitter. Criteria: Invitae Variant Classification Sherloc (09022015). Collection method: clinical testing. Allele origin: germline.
Comment: This sequence change replaces serine, which is neutral and polar, with leucine, which is neutral and non-polar, at codon 745 of the SEMA3E protein (p.Ser745Leu). This variant is not present in population databases (gnomAD no frequency). This variant has not been reported in the literature in individuals affected with SEMA3E-related conditions. ClinVar contains an entry for this variant (Variation ID: 1513385). An algorithm developed to predict the effect of missense changes on protein structure and function (PolyPhen-2) suggests that this variant is likely to be tolerated. In summary, the available evidence is currently insufficient to determine the role of this variant in disease. Therefore, it has been classified as a Variant of Uncertain Significance.

NM_012431.3(SEMA3E):c.2234C>T (p.Ser745Leu)

Gene: SEMA3E (semaphorin 3E; minus strand). Cytogenetic location: 7q21.11.
Variant type: single nucleotide variant.
Coding change: c.2234C>T on transcript NM_012431.3 (MANE Select); coding-DNA position 2234, C replaced by T.
Protein change: p.Ser745Leu; replaces serine 745 with leucine.
Molecular consequence: missense variant.
Genome position (GRCh38, 1-based): chr7:83,367,680, G>A on the plus strand (C>T on the coding strand, the complement: SEMA3E is on the minus strand). VCF-style: chr7-83367680-G-A. GRCh37 (hg19) VCF-style: chr7-82996996-G-A.
Other names: c.2054C>T, p.Ser685Leu (NM_001178129.2); short protein forms S685L, S745L.
Identifiers: ClinVar variation 1513385 (VCV001513385.8), dbSNP rs2116891755, ClinGen allele CA367912665.